The following is an entry in ClinVar:

NM_003764.4(STX11):c.*3599A>G

Gene: STX11 (syntaxin 11; plus strand). Cytogenetic location: 6q24.2.
Variant type: single nucleotide variant.
Coding change: c.*3599A>G on transcript NM_003764.4 (MANE Select); 3599 bases downstream of the stop codon, A replaced by G.
Molecular consequence: 3 prime UTR variant.
Genome position (GRCh38, 1-based): chr6:144,191,090, A>G. VCF-style: chr6-144191090-A-G. GRCh37 (hg19) VCF-style: chr6-144512227-A-G.
Other names: c.*3599A>G (LRG_113t1).
Identifiers: ClinVar variation 355652 (VCV000355652.5), dbSNP rs117017297, ClinGen allele CA10623111.

ClinVar aggregate classification (germline): Benign (1 of 4 stars; one submission).

Conditions:
Familial hemophagocytic lymphohistiocytosis 4 (FHL4). Also called: STX11-Related Familial Hemophagocytic Lymphohistiocytosis (STX11-fHLH). Identifiers: Orphanet 540, MedGen C1863728, MONDO:0011336, OMIM 603552.

Allele frequency attached by ClinVar (database versions not stated): gnomAD 0.00131 and 0.00187; TOPMed 0.00195; 1000 Genomes Project 30x 0.00718; 1000 Genomes Project 0.00799.
gnomAD v4.1: 283 of 152,072 alleles (0.19%); highest among the groups gnomAD compares: East Asian, 3.7%; 3 homozygotes.

Submission:

Illumina Laboratory Services, Illumina
Classification: Benign for Familial hemophagocytic lymphohistiocytosis 4. Last evaluated: 2018-01-12. Review status: criteria provided, single submitter. Criteria: ICSL Variant Classification Criteria 13 December 2019. Collection method: clinical testing. Allele origin: germline.
Comment: This variant was observed in the ICSL laboratory as part of a predisposition screen in an ostensibly healthy population. It had not been previously curated by ICSL or reported in the Human Gene Mutation Database (HGMD: prior to June 1st, 2018), and was therefore a candidate for classification through an automated scoring system. Utilizing variant allele frequency, disease prevalence and penetrance estimates, and inheritance mode, an automated score was calculated to assess if this variant is too frequent to cause the disease. Based on the score and internal cut-off values, a variant classified as benign is not then subjected to further curation. The score for this variant resulted in a classification of benign for this disease.